The following is an entry in ClinVar:

ClinVar aggregate classification (germline): Uncertain significance (1 of 4 stars; one submission).

Submission:

Centre of Medical Genetics, University Hospital Muenster
Classification: Uncertain significance. Last evaluated: 2022-07-14. Review status: criteria provided, single submitter. Criteria: ACMG Guidelines, 2015. Collection method: clinical testing. Allele origin: unknown. Affected: yes. Observed: 1 variant allele, 1 heterozygote.
Comment: ACMG categories: PM2,PP2,PP3

NM_001039591.3(USP9X):c.6532T>C (p.Tyr2178His)

Gene: USP9X (ubiquitin specific peptidase 9 X-linked; plus strand). Cytogenetic location: Xp11.4.
Variant type: single nucleotide variant.
Coding change: c.6532T>C on transcript NM_001039591.3 (MANE Select); coding-DNA position 6532, T replaced by C.
Protein change: p.Tyr2178His; replaces tyrosine 2178 with histidine.
Molecular consequence: missense variant.
Genome position (GRCh38, 1-based): chrX:41,219,198, T>C. VCF-style: chrX-41219198-T-C. GRCh37 (hg19) VCF-style: chrX-41078451-T-C.
Other names: c.6532T>C, p.Tyr2178His (NM_001039590.3); c.6547T>C, p.Tyr2183His (NM_001410748.1, NM_001410749.1); short protein forms Y2178H, Y2183H.
Identifiers: ClinVar variation 1708396 (VCV001708396.2), dbSNP rs2519382526, ClinGen allele CA412801756.